The following is an entry in ClinVar:

NM_005515.4(MNX1):c.794A>T (p.Tyr265Phe)

Genes: MNX1-AS2 (MNX1 antisense RNA 2; plus strand), MNX1 (motor neuron and pancreas homeobox 1; minus strand). Cytogenetic location: 7q36.3.
Variant type: single nucleotide variant.
Coding change: c.794A>T on transcript NM_005515.4 (MANE Select); coding-DNA position 794, A replaced by T.
Protein change: p.Tyr265Phe; replaces tyrosine 265 with phenylalanine.
Molecular consequence: missense variant.
Genome position (GRCh38, 1-based): chr7:157,006,537, T>A on the plus strand (A>T on the coding strand, the complement: MNX1 is on the minus strand). VCF-style: chr7-157006537-T-A. GRCh37 (hg19) VCF-style: chr7-156799231-T-A.
Other names: c.158A>T, p.Tyr53Phe (NM_001165255.2); short protein forms Y265F, Y53F.
Identifiers: ClinVar variation 2743299 (VCV002743299.3), dbSNP rs1468854515, ClinGen allele CA370162514.

ClinVar aggregate classification (germline): Uncertain significance (1 of 4 stars; one submission).

Allele frequency attached by ClinVar (database versions not stated): gnomAD 0.00001; TOPMed 0.00001.
gnomAD v4.1: 4 of 1,610,460 alleles (0.00025%); highest among the groups gnomAD compares: African/African-American, 0.0053%; no homozygotes.

Submission:

Labcorp Genetics (formerly Invitae), Labcorp
Classification: Uncertain significance. Last evaluated: 2023-07-22. Review status: criteria provided, single submitter. Criteria: Invitae Variant Classification Sherloc (09022015). Collection method: clinical testing. Allele origin: germline.
Comment: This variant is present in population databases (no rsID available, gnomAD 0.01%). This variant has not been reported in the literature in individuals affected with MNX1-related conditions. Advanced modeling of protein sequence and biophysical properties (such as structural, functional, and spatial information, amino acid conservation, physicochemical variation, residue mobility, and thermodynamic stability) performed at Invitae indicates that this missense variant is expected to disrupt MNX1 protein function. In summary, the available evidence is currently insufficient to determine the role of this variant in disease. Therefore, it has been classified as a Variant of Uncertain Significance. This sequence change replaces tyrosine, which is neutral and polar, with phenylalanine, which is neutral and non-polar, at codon 265 of the MNX1 protein (p.Tyr265Phe).